The following is an entry in ClinVar:

NM_001110556.2(FLNA):c.6372C>A (p.His2124Gln)

Gene: FLNA (filamin A; minus strand). Cytogenetic location: Xq28.
Variant type: single nucleotide variant.
Coding change: c.6372C>A on transcript NM_001110556.2 (MANE Select); coding-DNA position 6372, C replaced by A.
Protein change: p.His2124Gln; replaces histidine 2124 with glutamine.
Molecular consequence: missense variant.
Genome position (GRCh38, 1-based): chrX:154,352,779, G>T on the plus strand (C>A on the coding strand, the complement: FLNA is on the minus strand). VCF-style: chrX-154352779-G-T. GRCh37 (hg19) VCF-style: chrX-153581147-G-T.
Other names: c.6348C>A (NM_001456.3); c.6348C>A, p.His2116Gln (NM_001456.4); short protein forms H2116Q, H2124Q.
Identifiers: ClinVar variation 2943102 (VCV002943102.4), dbSNP rs781999359, ClinGen allele CA415193010.

ClinVar aggregate classification (germline): Conflicting classifications of pathogenicity. Review status: criteria provided, conflicting classifications (1 of 4 stars). 2 submissions from 2 submitters: Uncertain significance (1); Likely benign (1). Last evaluated 2026-03-05.

Conditions:
Oto-palato-digital syndrome, type II (OPD2). Also called: FACIOPALATOOSSEOUS SYNDROME; OPD II SYNDROME; Otopalatodigital Syndrome, Type II; Otopalatodigital Syndrome Type 2 (FLNA-OPD2). Identifiers: Orphanet 669, Orphanet 90652, MedGen C1844696, MONDO:0010571, OMIM 304120.
Heterotopia, periventricular, X-linked dominant (PVNH1). Also called: HETEROTOPIA, PERIVENTRICULAR, 1; PERIVENTRICULAR NODULAR HETEROTOPIA 1; X-linked periventricular heterotopia; PERIVENTRICULAR NODULAR HETEROTOPIA 4. Identifiers: Orphanet 2149, Orphanet 82004, MedGen C1848213, MONDO:0010233, OMIM 300049.
Melnick-Needles syndrome (MNS). Also called: MELNICK-NEEDLES OSTEODYSPLASTY; OSTEODYSPLASTY OF MELNICK AND NEEDLES; Melnick-Needles Syndrome (FLNA-MNS). Identifiers: Orphanet 2484, MedGen C0025237, MONDO:0010650, OMIM 309350.
Frontometaphyseal dysplasia (FMD1). Identifiers: Orphanet 1826, MedGen C0265293, MONDO:0015942.

Allele frequency attached by ClinVar (database versions not stated): TOPMed 0.00001.
gnomAD v4.1: 20 of 1,212,067 alleles (0.0017%); highest among the groups gnomAD compares: Non-Finnish European, 0.0022%; no homozygotes.

Submissions (2):

GeneDx
Classification: Uncertain significance. Last evaluated: 2026-03-05. Review status: criteria provided, single submitter. Criteria: GeneDx Variant Classification Process June 2021. Collection method: clinical testing. Allele origin: germline.
Comment: In silico analysis supports that this missense variant has a deleterious effect on protein structure/function; Has not been previously published as pathogenic or benign to our knowledge

Labcorp Genetics (formerly Invitae), Labcorp
Classification: Likely benign for Oto-palato-digital syndrome, type II; Heterotopia, periventricular, X-linked dominant; Frontometaphyseal dysplasia; Melnick-Needles syndrome. Last evaluated: 2025-10-01. Review status: criteria provided, single submitter. Criteria: Invitae Variant Classification Sherloc (09022015). Collection method: clinical testing. Allele origin: germline.